The following is an entry in ClinVar:

ClinVar aggregate classification (germline): Uncertain significance (1 of 4 stars; one submission).

gnomAD v4.1: 2 of 1,614,208 alleles (0.00012%); highest among the groups gnomAD compares: East Asian, 0.0022%; no homozygotes.

Submission:

Labcorp Genetics (formerly Invitae), Labcorp
Classification: Uncertain significance. Last evaluated: 2025-02-19. Review status: criteria provided, single submitter. Criteria: Invitae Variant Classification Sherloc (09022015). Collection method: clinical testing. Allele origin: germline.
Comment: This sequence change replaces valine, which is neutral and non-polar, with leucine, which is neutral and non-polar, at codon 63 of the POLR1A protein (p.Val63Leu). This variant is present in population databases (no rsID available, gnomAD 0.006%). This variant has not been reported in the literature in individuals affected with POLR1A-related conditions. Invitae Evidence Modeling of protein sequence and biophysical properties (such as structural, functional, and spatial information, amino acid conservation, physicochemical variation, residue mobility, and thermodynamic stability) indicates that this missense variant is not expected to disrupt POLR1A protein function with a negative predictive value of 80%. In summary, the available evidence is currently insufficient to determine the role of this variant in disease. Therefore, it has been classified as a Variant of Uncertain Significance.

NM_015425.6(POLR1A):c.187G>T (p.Val63Leu)

Gene: POLR1A (RNA polymerase I subunit A; minus strand). Cytogenetic location: 2p11.2.
Variant type: single nucleotide variant.
Coding change: c.187G>T on transcript NM_015425.6 (MANE Select); coding-DNA position 187, G replaced by T.
Protein change: p.Val63Leu; replaces valine 63 with leucine.
Molecular consequence: missense variant.
Genome position (GRCh38, 1-based): chr2:86,100,063, C>A on the plus strand (G>T on the coding strand, the complement: POLR1A is on the minus strand). VCF-style: chr2-86100063-C-A. GRCh37 (hg19) VCF-style: chr2-86327186-C-A.
Other names: short protein forms V63L.
Identifiers: ClinVar variation 3713492 (VCV003713492.2).